The following is an entry in ClinVar:

NM_002905.5(RDH5):c.499C>G (p.Arg167Gly)

Genes: BLOC1S1-RDH5 (BLOC1S1-RDH5 readthrough; plus strand), RDH5 (retinol dehydrogenase 5; plus strand). Cytogenetic location: 12q13.2.
Variant type: single nucleotide variant.
Coding change: c.499C>G on transcript NM_002905.5 (MANE Select); coding-DNA position 499, C replaced by G.
Protein change: p.Arg167Gly; replaces arginine 167 with glycine.
Molecular consequence: missense variant. On other transcripts: non-coding transcript variant (1).
Genome position (GRCh38, 1-based): chr12:55,721,877, C>G. VCF-style: chr12-55721877-C-G. GRCh37 (hg19) VCF-style: chr12-56115661-C-G.
Other names: c.499C>G, p.Arg167Gly (NM_001199771.3); short protein forms R167G.
Identifiers: ClinVar variation 3383406 (VCV003383406.2).

ClinVar aggregate classification (germline): Likely pathogenic (1 of 4 stars; one submission).

Submission:

Centre of Medical Genetics, University Hospital Muenster
Classification: Likely pathogenic. Last evaluated: 2023-11-02. Review status: criteria provided, single submitter. Criteria: ACMG Guidelines, 2015. Collection method: clinical testing. Allele origin: unknown. Affected: yes. Observed: 1 variant allele, 1 homozygote.
Comment: ACMG categories: PM1,PM2,PM5,PP3,PP4